The following is an entry in ClinVar:

ClinVar aggregate classification (germline): Uncertain significance (1 of 4 stars; one submission).

Submission:

Labcorp Genetics (formerly Invitae), Labcorp
Classification: Uncertain significance. Last evaluated: 2023-06-09. Review status: criteria provided, single submitter. Criteria: Invitae Variant Classification Sherloc (09022015). Collection method: clinical testing. Allele origin: germline.
Comment: In summary, the available evidence is currently insufficient to determine the role of this variant in disease. Therefore, it has been classified as a Variant of Uncertain Significance. An algorithm developed to predict the effect of missense changes on protein structure and function (PolyPhen-2) suggests that this variant is likely to be tolerated. This variant has not been reported in the literature in individuals affected with MSH3-related conditions. This variant is not present in population databases (gnomAD no frequency). This sequence change replaces proline, which is neutral and non-polar, with leucine, which is neutral and non-polar, at codon 1013 of the MSH3 protein (p.Pro1013Leu).

NM_002439.5(MSH3):c.3038C>T (p.Pro1013Leu)

Gene: MSH3 (mutS homolog 3; plus strand). Cytogenetic location: 5q14.1.
Variant type: single nucleotide variant.
Coding change: c.3038C>T on transcript NM_002439.5 (MANE Select); coding-DNA position 3038, C replaced by T.
Protein change: p.Pro1013Leu; replaces proline 1013 with leucine.
Molecular consequence: missense variant.
Genome position (GRCh38, 1-based): chr5:80,864,850, C>T. VCF-style: chr5-80864850-C-T. GRCh37 (hg19) VCF-style: chr5-80160669-C-T.
Other names: short protein forms P1013L.
Identifiers: ClinVar variation 2702202 (VCV002702202.3), dbSNP rs2478789113, ClinGen allele CA360346179.